The following is an entry in ClinVar:

NM_004006.3(DMD):c.3690dup (p.Val1231fs)

Gene: DMD (dystrophin; minus strand). Cytogenetic location: Xp21.1.
Variant type: Duplication.
Coding change: c.3690dup on transcript NM_004006.3 (MANE Select); coding-DNA position 3690, one base duplicated (T; older notation c.3690dupT).
Protein change: p.Val1231fs; shifts the reading frame from valine 1231.
Molecular consequence: frameshift variant.
Genome position (GRCh38, 1-based): chrX:32,448,552, A duplicated on the plus strand (T on the coding strand, the reverse complement: DMD is on the minus strand). VCF-style (leftmost placement, unchanged base first): chrX-32448551-C-CA. GRCh37 (hg19) VCF-style: chrX-32466668-C-CA.
Other names: c.3666dup, p.Val1223fs (NM_000109.4); c.3678dup, p.Val1227fs (NM_004009.3); c.3321dup, p.Val1108fs (NM_004010.3); short protein forms V1223fs, V1108fs, V1227fs, V1231fs.
Identifiers: ClinVar variation 1428508 (VCV001428508.6), dbSNP rs2148288214, ClinGen allele CA2573158571.
Genomic context (GRCh38, chrX:32,448,551, plus strand): 5'-AGAGCCACTGGTAGTTGGTGGTTAGAGTTTCAAGTTCCTTTTTTAAGGCCTCTTGTGCTA[C>CA]AGGTGGAGCTTGAGCTATGACACTATTTACAGACTCAGTAAGGAGTTTCACTTTCGCTTC-3'

ClinVar aggregate classification (germline): Pathogenic (1 of 4 stars; one submission).

Conditions:
Duchenne muscular dystrophy (DMD). Also called: MUSCULAR DYSTROPHY, PSEUDOHYPERTROPHIC PROGRESSIVE, DUCHENNE TYPE; Duchenne Muscular Dystrophy (DMD). Identifiers: Orphanet 98896, MedGen C0013264, MONDO:0010679, OMIM 310200.

Submission:

Labcorp Genetics (formerly Invitae), Labcorp
Classification: Pathogenic for Duchenne muscular dystrophy. Last evaluated: 2021-04-23. Review status: criteria provided, single submitter. Criteria: Invitae Variant Classification Sherloc (09022015). Collection method: clinical testing. Allele origin: germline.
Comment: This variant has not been reported in the literature in individuals with DMD-related conditions. For these reasons, this variant has been classified as Pathogenic. This variant is not present in population databases (ExAC no frequency). This sequence change creates a premature translational stop signal (p.Val1231Cysfs*11) in the DMD gene. It is expected to result in an absent or disrupted protein product. Loss-of-function variants in DMD are known to be pathogenic (PMID: 16770791, 25007885).

Literature cited by the submitters: PubMed 16770791; PubMed 25007885.